The following is an entry in ClinVar:

ClinVar aggregate classification (germline): Likely pathogenic (1 of 4 stars; one submission).

Conditions:
Agenesis of the corpus callosum with peripheral neuropathy (ACCPN). Also called: CHARLEVOIX DISEASE; POLYNEUROPATHY, SENSORIMOTOR, WITH OR WITHOUT AGENESIS OF THE CORPUS CALLOSUM; HMSN/ACC; Hereditary Motor and Sensory Neuropathy with Agenesis of the Corpus Callosum. Identifiers: Orphanet 1496, MedGen C0795950, MONDO:0000902, OMIM 218000. Disease mechanism: loss of function.

Submission:

Myriad Genetics, Inc.
Classification: Likely pathogenic for Agenesis of the corpus callosum with peripheral neuropathy. Last evaluated: 2022-01-02. Review status: criteria provided, single submitter. Criteria: Myriad Women's Health Autosomal Recessive and X-Linked Classification Criteria (2021). Collection method: clinical testing. Allele origin: unknown.
Comment: NM_133647.1(SLC12A6):c.1972_1973delAA(N658Lfs*60) is expected to be pathogenic in the context of Andermann syndrome. This variant is predicted to lead to an abnormal or absent protein product due to the creation of a premature termination codon in SLC12A6, a gene where loss-of-function variants are known to be pathogenic. Please note: this variant was assessed in the context of healthy population screening.

NM_001365088.1(SLC12A6):c.1972_1973del (p.Asn658fs)

Gene: SLC12A6 (solute carrier family 12 member 6; minus strand). Cytogenetic location: 15q14.
Variant type: Deletion.
Coding change: c.1972_1973del on transcript NM_001365088.1 (MANE Select); coding-DNA positions 1972 to 1973, 2 bases deleted (AA; older notation c.1972_1973delAA).
Protein change: p.Asn658fs; shifts the reading frame from asparagine 658.
Molecular consequence: frameshift variant.
Genome position (GRCh38, 1-based): chr15:34,244,043-34,244,044, TT deleted on the plus strand (AA on the coding strand, the reverse complement: SLC12A6 is on the minus strand); deleting any 2 consecutive bases within chr15:34,244,043-34,244,045 gives the same sequence; the c. name uses the placement nearest the transcript's 3' end. VCF-style (leftmost placement, unchanged base first): chr15-34244042-GTT-G. GRCh37 (hg19) VCF-style: chr15-34536243-GTT-G.
Other names: c.1795_1796del, p.Asn599fs (NM_001042494.2, NM_001042495.2); c.1945_1946del, p.Asn649fs (NM_001042496.2); c.1927_1928del, p.Asn643fs (NM_001042497.2); c.1819_1820del, p.Asn607fs (NM_005135.2); c.1972_1973del, p.Asn658fs (NM_133647.2); short protein forms N599fs, N607fs, N643fs, N649fs, N658fs.
Identifiers: ClinVar variation 1726766 (VCV001726766.2), dbSNP rs2509775026, ClinGen allele CA2580089258.